The following is an entry in ClinVar:

ClinVar aggregate classification (germline): Uncertain significance (1 of 4 stars; one submission).

Submission:

GeneDx
Classification: Uncertain significance. Last evaluated: 2023-09-26. Review status: criteria provided, single submitter. Criteria: GeneDx Variant Classification Process June 2021. Collection method: clinical testing. Allele origin: germline. Affected: yes.
Comment: Not observed at significant frequency in large population cohorts (gnomAD); In silico analysis supports that this missense variant does not alter protein structure/function; Has not been previously published as pathogenic or benign to our knowledge

NM_004380.3(CREBBP):c.6914T>C (p.Ile2305Thr)

Gene: CREBBP (CREB binding protein; minus strand). Cytogenetic location: 16p13.3.
Variant type: single nucleotide variant.
Coding change: c.6914T>C on transcript NM_004380.3 (MANE Select); coding-DNA position 6914, T replaced by C.
Protein change: p.Ile2305Thr; replaces isoleucine 2305 with threonine.
Molecular consequence: missense variant.
Genome position (GRCh38, 1-based): chr16:3,728,133, A>G on the plus strand (T>C on the coding strand, the complement: CREBBP is on the minus strand). VCF-style: chr16-3728133-A-G. GRCh37 (hg19) VCF-style: chr16-3778134-A-G.
Other names: c.6800T>C, p.Ile2267Thr (NM_001079846.1); short protein forms I2267T, I2305T.
Identifiers: ClinVar variation 1710683 (VCV001710683.4), dbSNP rs2151300550, ClinGen allele CA394551251.